The following is an entry in ClinVar:

ClinVar aggregate classification (germline): Pathogenic. Review status: criteria provided, multiple submitters, no conflicts (2 of 4 stars). 2 submissions from 2 submitters: Pathogenic (2). Last evaluated 2025-07-15.

Conditions:
Hereditary cancer-predisposing syndrome. Also called: Neoplastic Syndromes, Hereditary; Tumor predisposition; Hereditary Cancer Syndrome; Hereditary neoplastic syndrome. Identifiers: Orphanet 140162, MedGen C0027672, MeSH D009386, MONDO:0015356.
Lynch syndrome 4 (LYNCH4). Also called: Colorectal cancer, hereditary nonpolyposis, type 4; Hereditary non-polyposis colorectal cancer, type 4. Identifiers: Orphanet 144, MedGen C1838333, MONDO:0013699, OMIM 614337. Disease mechanism: loss of function.

Submissions (2):

Myriad Genetics, Inc.
Classification: Pathogenic for Lynch syndrome 4. Last evaluated: 2025-07-15. Review status: criteria provided, single submitter. Criteria: Myriad Autosomal Dominant, Autosomal Recessive and X-Linked Classification Criteria (2023). Collection method: clinical testing. Allele origin: unknown.
Comment: This variant is considered pathogenic. This variant creates a frameshift predicted to result in premature protein truncation.

Ambry Genetics
Classification: Pathogenic for Hereditary cancer-predisposing syndrome. Last evaluated: 2022-04-04. Review status: criteria provided, single submitter. Criteria: Ambry Variant Classification Scheme 2023. Collection method: clinical testing. Allele origin: germline.
Comment: The c.1694delT pathogenic mutation, located in coding exon 11 of the PMS2 gene, results from a deletion of one nucleotide at nucleotide position 1694, causing a translational frameshift with a predicted alternate stop codon (p.L565Cfs*30). This alteration is expected to result in loss of function by premature protein truncation or nonsense-mediated mRNA decay. As such, this alteration is interpreted as a disease-causing mutation.

NM_000535.7(PMS2):c.1694del (p.Leu565fs)

Gene: PMS2 (PMS1 homolog 2, mismatch repair system component; minus strand). Cytogenetic location: 7p22.1.
Variant type: Deletion.
Coding change: c.1694del on transcript NM_000535.7 (MANE Select); coding-DNA position 1694, one base deleted (T; older notation c.1694delT).
Protein change: p.Leu565fs; shifts the reading frame from leucine 565.
Molecular consequence: frameshift variant. On other transcripts: non-coding transcript variant (1).
Genome position (GRCh38, 1-based): chr7:5,987,071, A deleted on the plus strand (T on the coding strand, the reverse complement: PMS2 is on the minus strand); the first of 4 consecutive A bases (chr7:5,987,071-5,987,074); deleting any one gives the same sequence. VCF-style (leftmost placement, unchanged base first): chr7-5987070-CA-C. GRCh37 (hg19) VCF-style: chr7-6026701-CA-C.
Other names: c.1694delT (NM_000535.5); c.920delT, p.Leu308Cysfs (NM_001406911.1); c.1286delT, p.Leu430Cysfs (NM_001018040.1, NM_001406887.1, NM_001406888.1 and 13 more transcripts); c.1289del, p.Leu430fs (NM_001322003.2, NM_001322004.2, NM_001322005.2 and 1 more transcripts); c.1538del, p.Leu513fs (NM_001322006.2); c.1376del, p.Leu459fs (NM_001322007.2, NM_001322008.2); c.1133del, p.Leu378fs (NM_001322010.2); c.761del, p.Leu254fs (NM_001322011.2, NM_001322012.2); and 20 more; short protein forms L513fs, L378fs, L254fs, L374fs, L462fs, L430fs, L459fs, L565fs.
Identifiers: ClinVar variation 1778204 (VCV001778204.3), dbSNP rs2535748850, ClinGen allele CA2580076898.